The following is an entry in ClinVar:

NM_006767.4(LZTR1):c.1942+6G>A

Gene: LZTR1 (leucine zipper like post translational regulator 1; plus strand). Cytogenetic location: 22q11.21.
Variant type: single nucleotide variant.
Coding change: c.1942+6G>A on transcript NM_006767.4 (MANE Select); 6 bases into the intron after coding-DNA position 1942, G replaced by A.
Molecular consequence: intron variant.
Genome position (GRCh38, 1-based): chr22:20,995,032, G>A. VCF-style: chr22-20995032-G-A. GRCh37 (hg19) VCF-style: chr22-21349321-G-A.
Identifiers: ClinVar variation 3719868 (VCV003719868.2).
Genomic context (GRCh38, chr22:20,995,032, plus strand): 5'-CGGCGGAAGCAGCAGCCGCCCCCTCGCACTCCCTTGGACCAGCCAGTGGACATTGGTAGG[G>A]AGCCCCGTTCCCCTTCCCTGGGGGCTGGGAGGGATGGTGTTCATCTGCGGTAGGAGATTG-3'

ClinVar aggregate classification (germline): Uncertain significance (1 of 4 stars; one submission).

Submission:

Labcorp Genetics (formerly Invitae), Labcorp
Classification: Uncertain significance. Last evaluated: 2024-09-19. Review status: criteria provided, single submitter. Criteria: Invitae Variant Classification Sherloc (09022015). Collection method: clinical testing. Allele origin: germline.
Comment: This sequence change falls in intron 16 of the LZTR1 gene. It does not directly change the encoded amino acid sequence of the LZTR1 protein. It affects a nucleotide within the consensus splice site. This variant is not present in population databases (gnomAD no frequency). This variant has not been reported in the literature in individuals affected with LZTR1-related conditions. Variants that disrupt the consensus splice site are a relatively common cause of aberrant splicing (PMID: 17576681, 9536098). Algorithms developed to predict the effect of sequence changes on RNA splicing suggest that this variant is not likely to affect RNA splicing. In summary, the available evidence is currently insufficient to determine the role of this variant in disease. Therefore, it has been classified as a Variant of Uncertain Significance.

Literature cited by the submitters: PubMed 17576681; PubMed 9536098.